The following is an entry in ClinVar:

NM_000455.5(STK11):c.991C>T (p.Arg331Trp)

Genes: STK11 (serine/threonine kinase 11; plus strand), LOC130062899 (ATAC-STARR-seq lymphoblastoid active region 13597; plus strand). Cytogenetic location: 19p13.3.
Variant type: single nucleotide variant.
Coding change: c.991C>T on transcript NM_000455.5 (MANE Select); coding-DNA position 991, C replaced by T.
Protein change: p.Arg331Trp; replaces arginine 331 with tryptophan.
Molecular consequence: missense variant.
Genome position (GRCh38, 1-based): chr19:1,223,055, C>T. VCF-style: chr19-1223055-C-T. GRCh37 (hg19) VCF-style: chr19-1223054-C-T.
Other names: short protein forms R331W.
Identifiers: ClinVar variation 230490 (VCV000230490.25), dbSNP rs876658594, ClinGen allele CA10581014.

ClinVar aggregate classification (germline): Conflicting classifications of pathogenicity. Review status: criteria provided, conflicting classifications (1 of 4 stars). 9 submissions from 9 submitters: Uncertain significance (8); Likely benign (1). Last evaluated 2025-12-29.

Conditions:
Hereditary cancer-predisposing syndrome. Also called: Neoplastic Syndromes, Hereditary; Hereditary Cancer Syndrome; Tumor predisposition; Hereditary neoplastic syndrome. Identifiers: Orphanet 140162, MedGen C0027672, MeSH D009386, MONDO:0015356.
Peutz-Jeghers syndrome (PJS). Also called: POLYPOSIS, HAMARTOMATOUS INTESTINAL; POLYPS-AND-SPOTS SYNDROME; Peutz-Jeghers polyposis; Periorificial lentiginosis syndrome. Identifiers: Orphanet 2869, MedGen C0031269, MeSH D010580, MONDO:0008280, OMIM 175200.

Allele frequency attached by ClinVar (database versions not stated): gnomAD 0.00001; gnomAD exomes 0.00001; TOPMed 0.00001.
gnomAD v4.1: 9 of 1,603,310 alleles (0.00056%); highest among the groups gnomAD compares: Admixed American, 0.0017%; no homozygotes.

Submissions (9):

Labcorp Genetics (formerly Invitae), Labcorp
Classification: Uncertain significance for Peutz-Jeghers syndrome. Last evaluated: 2025-12-29. Review status: criteria provided, single submitter. Criteria: Invitae Variant Classification Sherloc (09022015). Collection method: clinical testing. Allele origin: germline.
Comment: This sequence change replaces arginine, which is basic and polar, with tryptophan, which is neutral and slightly polar, at codon 331 of the STK11 protein (p.Arg331Trp). The frequency data for this variant in the population databases is considered unreliable, as metrics indicate poor data quality at this position in the gnomAD database. This missense change has been observed in individual(s) with colorectal cancer (PMID: 28135145). ClinVar contains an entry for this variant (Variation ID: 230490). Invitae Evidence Modeling of protein sequence and biophysical properties (such as structural, functional, and spatial information, amino acid conservation, physicochemical variation, residue mobility, and thermodynamic stability) has been performed for this missense variant. However, the output from this modeling did not meet the statistical confidence thresholds required to predict the impact of this variant on STK11 protein function. In summary, the available evidence is currently insufficient to determine the role of this variant in disease. Therefore, it has been classified as a Variant of Uncertain Significance.

Color Diagnostics, LLC DBA Color Health
Classification: Uncertain significance for Hereditary cancer-predisposing syndrome. Last evaluated: 2024-05-02. Review status: criteria provided, single submitter. Criteria: ACMG Guidelines, 2015. Collection method: clinical testing. Allele origin: germline.
Comment: This missense variant replaces arginine with tryptophan at codon 331 of the STK11 protein. Computational prediction suggests that this variant may not impact protein structure and function. To our knowledge, functional studies have not been reported for this variant. This variant has been reported in individuals affected with colorectal cancer (PMID: 28135145). This variant has not been identified in the general population by the Genome Aggregation Database (gnomAD). The available evidence is insufficient to determine the role of this variant in disease conclusively. Therefore, this variant is classified as a Variant of Uncertain Significance.

Department of Pathology and Laboratory Medicine, Sinai Health System
Classification: Uncertain significance for Peutz-Jeghers syndrome. Last evaluated: 2024-04-22. Review status: criteria provided, single submitter. Criteria: ACMG Guidelines, 2015. Collection method: clinical testing. Allele origin: germline. Affected: yes.

Ambry Genetics
Classification: Likely benign for Hereditary cancer-predisposing syndrome. Last evaluated: 2023-11-16. Review status: criteria provided, single submitter. Criteria: Ambry Variant Classification Scheme 2023. Collection method: clinical testing. Allele origin: germline.

Quest Diagnostics Nichols Institute San Juan Capistrano
Classification: Uncertain significance. Last evaluated: 2023-08-02. Review status: criteria provided, single submitter. Criteria: Quest Diagnostics criteria. Collection method: clinical testing. Allele origin: unknown.
Comment: In the published literature, this variant has been reported in individuals with non-small cell lung cancer (PMID: 30669267 (2019)) and colorectal cancer (PMID: 28135145 (2017)). The frequency of this variant in the general population, 0.0000087 (2/230396 chromosomes (Genome Aggregation Database)), is uninformative in the assessment of its pathogenicity. Analysis of this variant using bioinformatics tools for the prediction of the effect of amino acid changes on protein structure and function yielded predictions that this variant is benign. Based on the available information, we are unable to determine the clinical significance of this variant.

All of Us Research Program, National Institutes of Health
Classification: Uncertain significance for Peutz-Jeghers syndrome. Last evaluated: 2023-06-28. Review status: criteria provided, single submitter. Criteria: ACMG Guidelines, 2015. Collection method: clinical testing. Allele origin: germline. Inheritance: Autosomal dominant inheritance. Observed: 1 variant allele, 1 heterozygote.
Comment: This study involves interpretation of variants in research participants for the purpose of population health screening. Participant phenotype was not available at the time of variant classification. Additional details can be found in publication PMID: 35346344, PMCID: PMC8962531

Blueprint Genetics
Classification: Uncertain significance. Last evaluated: 2021-10-08. Review status: criteria provided, single submitter. Criteria: ACMG Guidelines, 2015. Collection method: clinical testing. Allele origin: germline.

Genome-Nilou Lab
Classification: Uncertain significance for Peutz-Jeghers syndrome. Last evaluated: 2021-07-15. Review status: criteria provided, single submitter. Criteria: ACMG Guidelines, 2015. Collection method: clinical testing. Allele origin: germline. Affected: no.

Women's Health and Genetics/Laboratory Corporation of America, LabCorp
Classification: Uncertain significance. Last evaluated: 2021-02-25. Review status: criteria provided, single submitter. Criteria: LabCorp Variant Classification Summary - May 2015. Collection method: clinical testing. Allele origin: germline.
Comment: Variant summary: STK11 c.991C>T (p.Arg331Trp) results in a non-conservative amino acid change in the encoded protein sequence. Three of five in-silico tools predict a damaging effect of the variant on protein function. The variant allele was found at a frequency of 8.7e-06 in 230396 control chromosomes (gnomAD). The available data on variant occurrences in the general population are insufficient to allow any conclusion about variant significance. c.991C>T has been reported in the literature in individuals affected with colorectal cancer and non-small cell lung cancer (Yurgelun_2017, Fumagalli_2019, Blons_2020). These reports do not provide unequivocal conclusions about association of the variant with Peutz-Jeghers Syndrome. To our knowledge, no experimental evidence demonstrating an impact on protein function has been reported. Three ClinVar submitters (evaluation after 2014) cite the variant as uncertain significance. Based on the evidence outlined above, the variant was classified as uncertain significance.

Literature cited by the submitters: PubMed 28135145 (cited by 6 submitters); PubMed 30669267 (cited by 3 submitters); PubMed 33248711 (cited by 3 submitters); PubMed 33471991 (cited by Department of Pathology and Laboratory Medicine, Sinai Health System); PubMed 31712642 (cited by Quest Diagnostics Nichols Institute San Juan Capistrano and Women's Health and Genetics/Laboratory Corporation of America, LabCorp).